The following is an entry in ClinVar:

NM_000350.3(ABCA4):c.913C>T (p.Gln305Ter)

Gene: ABCA4 (ATP binding cassette subfamily A member 4; minus strand). Cytogenetic location: 1p22.1.
Variant type: single nucleotide variant.
Coding change: c.913C>T on transcript NM_000350.3 (MANE Select); coding-DNA position 913, C replaced by T.
Protein change: p.Gln305Ter; replaces glutamine 305 with a stop codon.
Molecular consequence: nonsense.
Genome position (GRCh38, 1-based): chr1:94,080,664, G>A on the plus strand (C>T on the coding strand, the complement: ABCA4 is on the minus strand). VCF-style: chr1-94080664-G-A. GRCh37 (hg19) VCF-style: chr1-94546220-G-A.
Other names: c.913C>T, p.Gln305Ter (NM_001425324.1); short protein forms Q305*.
Identifiers: ClinVar variation 866626 (VCV000866626.16), dbSNP rs1661669685, ClinGen allele CA341284422.

ClinVar aggregate classification (germline): Pathogenic. Review status: criteria provided, multiple submitters, no conflicts (2 of 4 stars). 4 submissions from 4 submitters: Pathogenic (4). Last evaluated 2026-04-07.

Conditions:
ABCA4-related disorder. Also called: ABCA4-related condition; ABCA4-related disorders. Identifiers: MedGen CN239167.

Submissions (4):

PreventionGenetics, part of Exact Sciences
Classification: Pathogenic for ABCA4-related condition. Last evaluated: 2026-04-07. Review status: criteria provided, single submitter. Criteria: ACMG Guidelines, 2015. Collection method: clinical testing. Allele origin: germline.
Comment: The ABCA4 c.913C>T variant is predicted to result in premature protein termination (p.Gln305*). This variant was reported in an individual with Stargardt disease (Supplementary Table 1, Ścieżyńska et al. 2015. PubMed ID: 26593885; Table S2A, Cornelis et al. 2022. PubMed ID: 35120629). This variant has not been reported in a large population database (gnomAD), indicating this variant is rare. Nonsense variants in ABCA4 are expected to be pathogenic. This variant is interpreted as pathogenic.

Labcorp Genetics (formerly Invitae), Labcorp
Classification: Pathogenic. Last evaluated: 2025-08-11. Review status: criteria provided, single submitter. Criteria: Invitae Variant Classification Sherloc (09022015). Collection method: clinical testing. Allele origin: germline.
Comment: This sequence change creates a premature translational stop signal (p.Gln305*) in the ABCA4 gene. It is expected to result in an absent or disrupted protein product. Loss-of-function variants in ABCA4 are known to be pathogenic (PMID: 10958761, 24938718, 25312043, 26780318). This variant is not present in population databases (gnomAD no frequency). This premature translational stop signal has been observed in individuals with Stargardt disease (PMID: 26593885, 30820146). ClinVar contains an entry for this variant (Variation ID: 866626). Algorithms developed to predict the effect of sequence changes on RNA splicing suggest that this variant may disrupt the consensus splice site. For these reasons, this variant has been classified as Pathogenic.

GeneDx
Classification: Pathogenic. Last evaluated: 2025-06-03. Review status: criteria provided, single submitter. Criteria: GeneDx Variant Classification Process June 2021. Collection method: clinical testing. Allele origin: germline. Affected: yes.
Comment: Observed with a second ABCA4 variant in a patient with Stargardt disease in published literature (PMID: 26593885); Nonsense variant predicted to result in protein truncation or nonsense mediated decay in a gene for which loss of function is a known mechanism of disease; Not observed at significant frequency in large population cohorts (gnomAD); This variant is associated with the following publications: (PMID: 30820146, 26593885, 35120629)

Blueprint Genetics
Classification: Pathogenic for ABCA4-related disorders. Last evaluated: 2022-06-27. Review status: criteria provided, single submitter. Criteria: ACMG Guidelines, 2015. Collection method: clinical testing. Allele origin: germline. Affected: yes. Observed: 5 variant alleles.

Literature cited by the submitters: PubMed 10958761 (cited by Labcorp Genetics (formerly Invitae), Labcorp); PubMed 24938718 (cited by Labcorp Genetics (formerly Invitae), Labcorp); PubMed 25312043 (cited by Labcorp Genetics (formerly Invitae), Labcorp); PubMed 26780318 (cited by Labcorp Genetics (formerly Invitae), Labcorp); PubMed 26593885 (cited by Labcorp Genetics (formerly Invitae), Labcorp); PubMed 30820146 (cited by Labcorp Genetics (formerly Invitae), Labcorp).